The following is an entry in ClinVar:

NM_001018005.2(TPM1):c.414A>G (p.Glu138=)

Gene: TPM1 (tropomyosin 1; plus strand). Cytogenetic location: 15q22.2.
Variant type: single nucleotide variant.
Coding change: c.414A>G on transcript NM_001018005.2 (MANE Select); coding-DNA position 414, A replaced by G.
Protein change: p.Glu138=; no amino-acid change (glutamic acid 138 retained).
Molecular consequence: synonymous variant. On other transcripts: non-coding transcript variant (17).
Genome position (GRCh38, 1-based): chr15:63,059,602, A>G. VCF-style: chr15-63059602-A-G. GRCh37 (hg19) VCF-style: chr15-63351801-A-G.
Other names: c.414A>G, p.Glu138= (NM_000366.6, NM_001018004.2, NM_001018006.2 and 20 more transcripts); c.306A>G, p.Glu102= (NM_001018008.2, NM_001301289.2, NM_001330344.2 and 9 more transcripts); c.540A>G, p.Glu180= (NM_001365778.1, NM_001407322.1, NM_001407323.1 and 1 more transcripts).
Identifiers: ClinVar variation 3070877 (VCV003070877.3), dbSNP rs2542775731, ClinGen allele CA490693038.

ClinVar aggregate classification (germline): Likely benign. Review status: criteria provided, multiple submitters, no conflicts (2 of 4 stars). 2 submissions from 2 submitters: Likely benign (2). Last evaluated 2024-08-10.

Conditions:
Hypertrophic cardiomyopathy. Also called: HYPERTROPHIC MYOCARDIOPATHY. Identifiers: Orphanet 217569, MedGen C0007194, MeSH D002312, MONDO:0005045, HP:0001639.

Submissions (2):

Labcorp Genetics (formerly Invitae), Labcorp
Classification: Likely benign for Hypertrophic cardiomyopathy. Last evaluated: 2024-08-10. Review status: criteria provided, single submitter. Criteria: Invitae Variant Classification Sherloc (09022015). Collection method: clinical testing. Allele origin: germline.

All of Us Research Program, National Institutes of Health
Classification: Likely benign for Hypertrophic cardiomyopathy. Last evaluated: 2023-05-04. Review status: criteria provided, single submitter. Criteria: ACMG Guidelines, 2015. Collection method: clinical testing. Allele origin: germline. Inheritance: Autosomal dominant inheritance. Observed: 1 variant allele, 1 heterozygote.
Comment: This study involves interpretation of variants in research participants for the purpose of population health screening. Participant phenotype was not available at the time of variant classification. Additional details can be found in publication PMID: 35346344, PMCID: PMC8962531